The following is an entry in ClinVar:

ClinVar aggregate classification (germline): Uncertain significance. Review status: criteria provided, multiple submitters, no conflicts (2 of 4 stars). 2 submissions from 2 submitters: Uncertain significance (2). Last evaluated 2025-09-07.

Conditions:
MYO5B-related disorder. Also called: MYO5B-related condition.

Allele frequency attached by ClinVar (database versions not stated): ExAC 0.00001; gnomAD 0.00001; gnomAD exomes 0.00001; TOPMed 0.00001.
gnomAD v4.1: 9 of 1,614,068 alleles (0.00056%); highest among the groups gnomAD compares: Admixed American, 0.013%; no homozygotes.

Submissions (2):

PreventionGenetics, part of Exact Sciences
Classification: Uncertain significance for MYO5B-related condition. Last evaluated: 2025-09-07. Review status: criteria provided, single submitter. Criteria: ACMG Guidelines, 2015. Collection method: clinical testing. Allele origin: germline.
Comment: The MYO5B c.709G>A variant is predicted to result in the amino acid substitution p.Ala237Thr. To our knowledge, this variant has not been reported in the literature. This variant is reported in 0.020% of alleles in individuals of Latino descent in gnomAD. At this time, the clinical significance of this variant is uncertain due to the absence of conclusive functional and genetic evidence.

Labcorp Genetics (formerly Invitae), Labcorp
Classification: Uncertain significance. Last evaluated: 2022-06-08. Review status: criteria provided, single submitter. Criteria: Invitae Variant Classification Sherloc (09022015). Collection method: clinical testing. Allele origin: germline.
Comment: This sequence change replaces alanine, which is neutral and non-polar, with threonine, which is neutral and polar, at codon 237 of the MYO5B protein (p.Ala237Thr). This variant is present in population databases (rs766245374, gnomAD 0.02%). This variant has not been reported in the literature in individuals affected with MYO5B-related conditions. Algorithms developed to predict the effect of missense changes on protein structure and function are either unavailable or do not agree on the potential impact of this missense change (SIFT: "Deleterious"; PolyPhen-2: "Probably Damaging"; Align-GVGD: "Class C0"). In summary, the available evidence is currently insufficient to determine the role of this variant in disease. Therefore, it has been classified as a Variant of Uncertain Significance.

NM_001080467.3(MYO5B):c.709G>A (p.Ala237Thr)

Gene: MYO5B (myosin VB; minus strand). Cytogenetic location: 18q21.1.
Variant type: single nucleotide variant.
Coding change: c.709G>A on transcript NM_001080467.3 (MANE Select); coding-DNA position 709, G replaced by A.
Protein change: p.Ala237Thr; replaces alanine 237 with threonine.
Molecular consequence: missense variant.
Genome position (GRCh38, 1-based): chr18:49,992,335, C>T on the plus strand (G>A on the coding strand, the complement: MYO5B is on the minus strand). VCF-style: chr18-49992335-C-T. GRCh37 (hg19) VCF-style: chr18-47518705-C-T.
Other names: c.709G>A (NM_001080467.2); short protein forms A237T.
Identifiers: ClinVar variation 1401232 (VCV001401232.5), dbSNP rs766245374, ClinGen allele CA8961810.